The following is an entry in ClinVar:

NM_020975.6(RET):c.1399G>C (p.Val467Leu)

Gene: RET (ret proto-oncogene; plus strand). Cytogenetic location: 10q11.21.
Variant type: single nucleotide variant.
Coding change: c.1399G>C on transcript NM_020975.6 (MANE Select); coding-DNA position 1399, G replaced by C.
Protein change: p.Val467Leu; replaces valine 467 with leucine.
Molecular consequence: missense variant.
Genome position (GRCh38, 1-based): chr10:43,111,342, G>C. VCF-style: chr10-43111342-G-C. GRCh37 (hg19) VCF-style: chr10-43606790-G-C.
Other names: c.1399G>C, p.Val467Leu (NM_000323.2, NM_001406743.1, NM_001406744.1 and 6 more transcripts); c.637G>C, p.Val213Leu (NM_001355216.2); c.1111G>C, p.Val371Leu (NM_001406770.1, NM_001406766.1, NM_001406767.1); c.961G>C, p.Val321Leu (NM_001406771.1, NM_001406773.1); c.1003G>C, p.Val335Leu (NM_001406772.1, NM_001406769.1); c.874G>C, p.Val292Leu (NM_001406774.1); c.673G>C, p.Val225Leu (NM_001406775.1, NM_001406776.1, NM_001406777.1 and 1 more transcripts); c.409G>C, p.Val137Leu (NM_001406784.1); and 1 more; short protein forms V467L, V213L, V225L, V137L, V292L, V321L, V371L, V424L.
Identifiers: ClinVar variation 432998 (VCV000432998.25), dbSNP rs200334340, ClinGen allele CA033445.
Genomic context (GRCh38, chr10:43,111,342, plus strand): 5'-GCCAACTGCAGCACGCTAGGGGTGGTCACCTCAGCCGAGGACACCTCGGGGATCCTGTTT[G>C]TGAATGACACCAAGGCCCTGCGGCGGCCCAAGTGTGCCGAACTTCACTACATGGTGGTGG-3'
Protein context (NP_066124.1, residues 457-477): SAEDTSGILF[Val467Leu]NDTKALRRPK

ClinVar aggregate classification (germline): Conflicting classifications of pathogenicity. Review status: criteria provided, conflicting classifications (1 of 4 stars). 10 submissions from 10 submitters: Uncertain significance (9); Likely benign (1). Last evaluated 2026-06-17.

Conditions:
Multiple endocrine neoplasia type 2A. Also called: Multiple Endocrine Neoplasia Type 2A (MEN2A); MULTIPLE ENDOCRINE NEOPLASIA, TYPE IIA; PTC SYNDROME; SIPPLE SYNDROME; MEN 2A; MEN-2A syndrome. Identifiers: Orphanet 247698, Orphanet 653, MedGen C0025268, MeSH D018813, MONDO:0008234, OMIM 171400.
Familial medullary thyroid carcinoma (MTC). Also called: Familial Medullary Thyroid Carcinoma (FMTC); Thyroid cancer, familial medullary; MTC, familial. Identifiers: Orphanet 653, Orphanet 99361, MedGen C1833921, MONDO:0007958, OMIM 155240.
Pheochromocytoma. Also called: MAX-Related Hereditary Paraganglioma-Pheochromocytoma Syndrome. Identifiers: Orphanet 29072, MedGen C0031511, MONDO:0008233, OMIM 171300, HP:0002666.
Hirschsprung disease, susceptibility to, 1 (HSCR1). Also called: RET-Related Hirschsprung Disease. Identifiers: Orphanet 388, MedGen C3888239, MONDO:0007723, OMIM 142623.
Multiple endocrine neoplasia type 2B. Also called: WAGENMANN-FROBOESE SYNDROME; MULTIPLE ENDOCRINE NEOPLASIA, TYPE III; MUCOSAL NEUROMA SYNDROME; Multiple Endocrine Neoplasia Type 2B (MEN2B); Multiple endocrine neoplasia, type 3; MULTIPLE ENDOCRINE NEOPLASIA, TYPE IIB. Identifiers: Orphanet 247709, Orphanet 653, MedGen C0025269, MeSH D018814, MONDO:0008082, OMIM 162300.
RET-related disorder. Also called: RET-related disorders; RET-related condition; RET-related disease.
Multiple endocrine neoplasia, type 2 (MEN2). Identifiers: Orphanet 653, MedGen C4048306, MONDO:0019003. Disease mechanism: gain of function.
Hereditary cancer-predisposing syndrome. Also called: Hereditary Cancer Syndrome; Hereditary neoplastic syndrome; Tumor predisposition; Neoplastic Syndromes, Hereditary. Identifiers: Orphanet 140162, MedGen C0027672, MeSH D009386, MONDO:0015356.

Allele frequency attached by ClinVar (database versions not stated): TOPMed 0.00007; 1000 Genomes Project 30x 0.00016; 1000 Genomes Project 0.00020; gnomAD exomes below 0.00001 and 0.00002; ExAC 0.00002; gnomAD 0.00002 and 0.00003.

Submissions (10):

PreventionGenetics, part of Exact Sciences
Classification: Uncertain significance for RET-related condition. Last evaluated: 2026-06-17. Review status: criteria provided, single submitter. Criteria: ACMG Guidelines, 2015. Collection method: clinical testing. Allele origin: germline.
Comment: The RET c.1399G>C variant is predicted to result in the amino acid substitution p.Val467Leu. To our knowledge, this variant has not been reported in the literature in individuals with RET-associated conditions. This variant is reported in 5 of ~251,000 alleles in gnomAD and is interpreted as uncertain significance in ClinVar (Variation ID: 432998). At this time, the clinical significance of this variant is uncertain due to the absence of conclusive functional and genetic evidence.

Ambry Genetics
Classification: Likely benign for Hereditary cancer-predisposing syndrome. Last evaluated: 2026-06-04. Review status: criteria provided, single submitter. Criteria: Ambry Variant Classification Scheme 2023. Collection method: clinical testing. Allele origin: germline.

Labcorp Genetics (formerly Invitae), Labcorp
Classification: Uncertain significance for Multiple endocrine neoplasia, type 2. Last evaluated: 2025-12-21. Review status: criteria provided, single submitter. Criteria: Invitae Variant Classification Sherloc (09022015). Collection method: clinical testing. Allele origin: germline.
Comment: This sequence change replaces valine, which is neutral and non-polar, with leucine, which is neutral and non-polar, at codon 467 of the RET protein (p.Val467Leu). This variant is present in population databases (rs200334340, gnomAD 0.004%). This variant has not been reported in the literature in individuals affected with RET-related conditions. ClinVar contains an entry for this variant (Variation ID: 432998). An algorithm developed to predict the effect of missense changes on protein structure and function (PolyPhen-2) suggests that this variant is likely to be disruptive. In summary, the available evidence is currently insufficient to determine the role of this variant in disease. Therefore, it has been classified as a Variant of Uncertain Significance.

GeneDx
Classification: Uncertain significance. Last evaluated: 2025-08-20. Review status: criteria provided, single submitter. Criteria: GeneDx Variant Classification Process June 2021. Collection method: clinical testing. Allele origin: germline. Affected: yes.
Comment: Not observed at significant frequency in large population cohorts (gnomAD); In silico analysis suggests that this missense variant does not alter protein structure/function; Has not been previously published as pathogenic or benign to our knowledge; This variant is associated with the following publications: (PMID: 25733075, 14633923)

All of Us Research Program, National Institutes of Health
Classification: Uncertain significance for Multiple endocrine neoplasia, type 2. Last evaluated: 2024-09-23. Review status: criteria provided, single submitter. Criteria: ACMG Guidelines, 2015. Collection method: clinical testing. Allele origin: germline. Inheritance: Autosomal dominant inheritance. Observed: 12 variant alleles, 12 heterozygotes.
Comment: This missense variant replaces valine with leucine at codon 467 of the RET protein. Computational prediction is inconclusive regarding the impact of this variant on protein structure and function (internally defined REVEL score threshold 0.5 < inconclusive < 0.7, PMID: 27666373). To our knowledge, functional studies have not been reported for this variant. This variant has not been reported in individuals affected with RET-related disorders in the literature. This variant has been identified in 5/251450 chromosomes in the general population by the Genome Aggregation Database (gnomAD). The available evidence is insufficient to determine the role of this variant in disease conclusively. Therefore, this variant is classified as a Variant of Uncertain Significance.

This study involves interpretation of variants in research participants for the purpose of population health screening. Participant phenotype was not available at the time of variant classification. Additional details can be found in publication PMID: 35346344, PMCID: PMC8962531

Color Diagnostics, LLC DBA Color Health
Classification: Uncertain significance for Multiple endocrine neoplasia, type 2. Last evaluated: 2024-06-20. Review status: criteria provided, single submitter. Criteria: ACMG Guidelines, 2015. Collection method: clinical testing. Allele origin: germline.
Comment: This missense variant replaces valine with leucine at codon 467 of the RET protein. Computational prediction is inconclusive regarding the impact of this variant on protein structure and function. To our knowledge, functional studies have not been reported for this variant. This variant has not been reported in individuals affected with RET-related disorders in the literature. This variant has been identified in 5/251450 chromosomes in the general population by the Genome Aggregation Database (gnomAD). The available evidence is insufficient to determine the role of this variant in disease conclusively. Therefore, this variant is classified as a Variant of Uncertain Significance.

Fulgent Genetics
Classification: Uncertain significance for Hirschsprung disease, susceptibility to, 1; Familial medullary thyroid carcinoma; Multiple endocrine neoplasia type 2B; Pheochromocytoma; Multiple endocrine neoplasia type 2A. Last evaluated: 2024-03-17. Review status: criteria provided, single submitter. Criteria: ACMG Guidelines, 2015. Collection method: clinical testing. Allele origin: germline.

Baylor Genetics
Classification: Uncertain significance for Hirschsprung disease, susceptibility to, 1. Last evaluated: 2023-10-26. Review status: criteria provided, single submitter. Criteria: ACMG Guidelines, 2015. Collection method: clinical testing. Allele origin: unknown.

St. Jude Molecular Pathology, St. Jude Children's Research Hospital
Classification: Uncertain significance for Multiple endocrine neoplasia type 2A. Last evaluated: 2022-09-22. Review status: criteria provided, single submitter. Criteria: St. Jude Assertion Criteria 2020. Collection method: clinical testing. Allele origin: germline.
Comment: The RET c.1399G>C (p.Val467Leu) missense change has a maximum subpopulation frequency of 0.0035% in gnomAD v2.1.1. The in silico tool REVEL is inconclusive about a pathogenic or benign effect of this variant on protein function, and to our knowledge functional studies have not been performed. To our knowledge, this variant has not been reported in the literature in individuals with multiple endocrine neoplasia type 2. In summary, the evidence currently available is insufficient to determine the clinical significance of this variant. It has therefore been classified as of uncertain significance.

Sema4
Classification: Uncertain significance for Hereditary cancer-predisposing syndrome. Last evaluated: 2021-07-13. Review status: criteria provided, single submitter. Criteria: Sema4 Curation Guidelines. Collection method: curation. Allele origin: germline.
Comment: To the best of our knowledge, the RET c.1399G>C (p.V467L) variant has not been reported in individuals with RET-related disease. It was observed in 4/113742 chromosomes of the Non-Finnish European subpopulation in the large and broad cohorts of the Genome Aggregation Database (PMID: 32461654). The variant has been reported in ClinVar (Variation ID 432998). This variant involves a highly conserved amino acid, and computational analyses do not provide strong support for or against an impact to the protein. The evidence is insufficient to meet ACMG/AMP criteria for classifying the variant as benign or pathogenic. Thus, the clinical significance of this variant is currently uncertain.